The following is an entry in ClinVar:

ClinVar aggregate classification (germline): Uncertain significance. Review status: criteria provided, multiple submitters, no conflicts (2 of 4 stars). 4 submissions from 4 submitters: Uncertain significance (4). Last evaluated 2026-08-06.

Conditions:
Seizures, benign familial neonatal, 1. Also called: Benign Neonatal Epilepsy 1; KCNQ2-Related Self-Limited Familial Neonatal Epilepsy (SLFNE); KCNQ2-Related Benign Familial Neonatal Epilepsy; Seizures, benign neonatal, 1. Identifiers: Orphanet 1949, MedGen C3149074, MONDO:0007365, OMIM 121200.
Early-infantile DEE. Also called: Early infantile epileptic encephalopathy with suppression bursts; Early infantile epileptic encephalopathy; Ohtahara syndrome. Identifiers: Orphanet 1934, MedGen C0393706, MONDO:0800491.
Inborn genetic diseases. Identifiers: MedGen C0950123, MeSH D030342.

Allele frequency attached by ClinVar (database versions not stated): TOPMed below 0.00001; gnomAD 0.00001.
gnomAD v4.1: 2 of 1,585,658 alleles (0.00013%); highest among the groups gnomAD compares: Admixed American, 0.0018%; no homozygotes.

Submissions (4):

OLLIN Analises Genomicas, OLLIN
Classification: Uncertain significance for Seizures, benign familial neonatal, 1. Last evaluated: 2026-08-06. Review status: criteria provided, single submitter. Criteria: ACMG Guidelines 2015 PMID 25741868. Collection method: clinical testing. Allele origin: germline. Inheritance: Autosomal dominant inheritance.
Comment: This missense variant, located in exon 17 (of 17), has been reported in ClinVar (accession VCV001786118.8) and in gnomAD with an allele frequency of 0.00013%. However, to our knowledge, it has not been reported in the scientific literature. In silico analysis is inconclusive regarding the impact of this variant. This gene is constrained for missense variation. This variant did not segregate with the phenotype among affected individuals. According to the currently available evidence, this variant has been classified as uncertain significance (PM2_P, PP2, BS4_P).

Dasa
Classification: Uncertain significance. Last evaluated: 2025-08-15. Review status: criteria provided, single submitter. Criteria: DASA Assertion Criteria. Collection method: clinical testing. Allele origin: germline.
Comment: NM_172107.4(KCNQ2):c.2111C>T (p.Pro704Leu) is a missense variant that results in the substitution of proline with leucine. This variant is rare in population databases. The currently available literature and clinical evidence are not sufficient to establish a definitive association between this variant and the reported condition. Therefore, this variant is classified as a variant of uncertain significance.

Labcorp Genetics (formerly Invitae), Labcorp
Classification: Uncertain significance for Early-infantile DEE. Last evaluated: 2022-06-17. Review status: criteria provided, single submitter. Criteria: Invitae Variant Classification Sherloc (09022015). Collection method: clinical testing. Allele origin: germline.
Comment: This variant is not present in population databases (gnomAD no frequency). This sequence change replaces proline, which is neutral and non-polar, with leucine, which is neutral and non-polar, at codon 704 of the KCNQ2 protein (p.Pro704Leu). This variant has not been reported in the literature in individuals affected with KCNQ2-related conditions. In summary, the available evidence is currently insufficient to determine the role of this variant in disease. Therefore, it has been classified as a Variant of Uncertain Significance. Algorithms developed to predict the effect of missense changes on protein structure and function are either unavailable or do not agree on the potential impact of this missense change (SIFT: "Deleterious"; PolyPhen-2: "Benign"; Align-GVGD: "Class C0").

Ambry Genetics
Classification: Uncertain significance for Inborn genetic diseases. Last evaluated: 2018-07-31. Review status: criteria provided, single submitter. Criteria: Ambry Variant Classification Scheme 2023. Collection method: clinical testing. Allele origin: germline.
Comment: The p.P704L variant (also known as c.2111C>T), located in coding exon 17 of the KCNQ2 gene, results from a C to T substitution at nucleotide position 2111. The proline at codon 704 is replaced by leucine, an amino acid with similar properties. This amino acid position is well conserved in available vertebrate species. In addition, the in silico prediction for this alteration is inconclusive. Since supporting evidence is limited at this time, the clinical significance of this alteration remains unclear.

NM_172107.4(KCNQ2):c.2111C>T (p.Pro704Leu)

Gene: KCNQ2 (potassium voltage-gated channel subfamily Q member 2; minus strand). Cytogenetic location: 20q13.33.
Variant type: single nucleotide variant.
Coding change: c.2111C>T on transcript NM_172107.4 (MANE Select); coding-DNA position 2111, C replaced by T.
Protein change: p.Pro704Leu; replaces proline 704 with leucine.
Molecular consequence: missense variant.
Genome position (GRCh38, 1-based): chr20:63,407,152, G>A on the plus strand (C>T on the coding strand, the complement: KCNQ2 is on the minus strand). VCF-style: chr20-63407152-G-A. GRCh37 (hg19) VCF-style: chr20-62038505-G-A.
Other names: c.2165C>T, p.Pro722Leu (NM_001382235.1); c.2027C>T, p.Pro676Leu (NM_004518.6); c.2057C>T, p.Pro686Leu (NM_172106.3); c.2018C>T, p.Pro673Leu (NM_172108.5); short protein forms P686L, P704L, P673L, P676L, P722L.
Identifiers: ClinVar variation 1786118 (VCV001786118.10), dbSNP rs1215394494, ClinGen allele CA409638966.